The following is an entry in ClinVar:

ClinVar aggregate classification (germline): Uncertain significance. Review status: criteria provided, multiple submitters, no conflicts (2 of 4 stars). 2 submissions from 2 submitters: Uncertain significance (2). Last evaluated 2025-09-08.

Conditions:
Cardiomyopathy (CMYO). Also called: Cardiomyopathies. Identifiers: Orphanet 167848, MedGen C0878544, MONDO:0004994, HP:0001638. Inheritance: Various modes of inheritance.
Catecholaminergic polymorphic ventricular tachycardia 1. Also called: VENTRICULAR TACHYCARDIA, STRESS-INDUCED POLYMORPHIC 1; VENTRICULAR TACHYCARDIA, CATECHOLAMINERGIC POLYMORPHIC, 1, WITH OR WITHOUT ATRIAL DYSFUNCTION AND/OR DILATED CARDIOMYOPATHY; RYR2-Related Catecholaminergic Polymorphic Ventricular Tachycardia. Identifiers: Orphanet 3286, MedGen C1631597, MONDO:0011484, OMIM 604772.

gnomAD v4.1: 4 of 1,614,006 alleles (0.00025%); highest among the groups gnomAD compares: South Asian, 0.0011%; no homozygotes.

Submissions (2):

Color Diagnostics, LLC DBA Color Health
Classification: Uncertain significance for Cardiomyopathy. Last evaluated: 2025-09-08. Review status: criteria provided, single submitter. Criteria: ACMG Guidelines, 2015. Collection method: clinical testing. Allele origin: germline.
Comment: This missense variant replaces alanine with serine at codon 1098 of the RYR2 protein. Computational prediction suggests that this variant may not impact protein structure and function. To our knowledge, functional studies have not been reported for this variant. This variant has not been reported in individuals affected with RYR2-related disorders in the literature. This variant has not been identified in the general population by the Genome Aggregation Database (gnomAD). The available evidence is insufficient to determine the role of this variant in disease conclusively. Therefore, this variant is classified as a Variant of Uncertain Significance.

Labcorp Genetics (formerly Invitae), Labcorp
Classification: Uncertain significance for Catecholaminergic polymorphic ventricular tachycardia 1. Last evaluated: 2025-08-03. Review status: criteria provided, single submitter. Criteria: Invitae Variant Classification Sherloc (09022015). Collection method: clinical testing. Allele origin: germline.
Comment: This sequence change replaces alanine, which is neutral and non-polar, with serine, which is neutral and polar, at codon 1098 of the RYR2 protein (p.Ala1098Ser). This variant is not present in population databases (gnomAD no frequency). This variant has not been reported in the literature in individuals affected with RYR2-related conditions. ClinVar contains an entry for this variant (Variation ID: 1055187). Invitae Evidence Modeling of protein sequence and biophysical properties (such as structural, functional, and spatial information, amino acid conservation, physicochemical variation, residue mobility, and thermodynamic stability) indicates that this missense variant is not expected to disrupt RYR2 protein function with a negative predictive value of 95%. In summary, the available evidence is currently insufficient to determine the role of this variant in disease. Therefore, it has been classified as a Variant of Uncertain Significance.

NM_001035.3(RYR2):c.3292G>T (p.Ala1098Ser)

Gene: RYR2 (ryanodine receptor 2; plus strand). Cytogenetic location: 1q43.
Variant type: single nucleotide variant.
Coding change: c.3292G>T on transcript NM_001035.3 (MANE Select); coding-DNA position 3292, G replaced by T.
Protein change: p.Ala1098Ser; replaces alanine 1098 with serine.
Molecular consequence: missense variant.
Genome position (GRCh38, 1-based): chr1:237,566,644, G>T. VCF-style: chr1-237566644-G-T. GRCh37 (hg19) VCF-style: chr1-237729944-G-T.
Other names: short protein forms A1098S.
Identifiers: ClinVar variation 1055187 (VCV001055187.8), dbSNP rs2148252279, ClinGen allele CA345398169.